The following is an entry in ClinVar:

ClinVar aggregate classification (germline): Benign (0 of 4 stars; one submission).

Conditions:
NRG1-related disorder. Also called: NRG1-related condition.

Allele frequency attached by ClinVar (database versions not stated): 1000 Genomes Project 30x 0.05653; ExAC 0.01497; gnomAD 0.04701; ESP Exome Variant Server 0.05228; 1000 Genomes Project 0.05232; TOPMed 0.05251.
gnomAD v4.1: 14,047 of 1,614,036 alleles (0.87%); highest among the groups gnomAD compares: African/African-American, 17%; 1,116 homozygotes.

Submission:

PreventionGenetics, part of Exact Sciences
Classification: Benign for NRG1-related condition. Last evaluated: 2019-04-04. Review status: no assertion criteria provided. Collection method: clinical testing. Allele origin: germline.
Comment: This variant is classified as benign based on ACMG/AMP sequence variant interpretation guidelines (Richards et al. 2015 PMID: 25741868, with internal and published modifications).

NM_013964.5(NRG1):c.1808C>A (p.Pro603His)

Gene: NRG1 (neuregulin 1; plus strand). Cytogenetic location: 8p12.
Variant type: single nucleotide variant.
Coding change: c.1808C>A on transcript NM_013964.5 (MANE Select); coding-DNA position 1808, C replaced by A.
Protein change: p.Pro603His; replaces proline 603 with histidine.
Molecular consequence: missense variant. On other transcripts: 3 prime UTR variant (4).
Genome position (GRCh38, 1-based): chr8:32,764,287, C>A. VCF-style: chr8-32764287-C-A. GRCh37 (hg19) VCF-style: chr8-32621805-C-A.
Other names: c.1709C>A, p.Pro570His (NM_001159995.3, NM_001322203.1); c.*561C>A (NM_001159996.3, NM_001160004.3, NM_001322206.2 and 1 more transcripts); c.1760C>A, p.Pro587His (NM_001159999.3); c.1658C>A, p.Pro553His (NM_001160001.3); c.1337C>A, p.Pro446His (NM_001322197.2); c.1034C>A, p.Pro345His (NM_001322201.2, NM_001322202.2); c.1988C>A, p.Pro663His (NM_001322205.2); c.1823C>A, p.Pro608His (NM_013956.5); and 1 more; short protein forms P345H, P446H, P553H, P570H, P587H, P600H, P603H, P608H.
Identifiers: ClinVar variation 3038557 (VCV003038557.2), dbSNP rs73672607, ClinGen allele CA4706215.